The following is an entry in ClinVar:

NM_004667.6(HERC2):c.9937C>T (p.Arg3313Cys)

Gene: HERC2 (HECT and RLD domain containing E3 ubiquitin protein ligase 2; minus strand). Cytogenetic location: 15q13.1.
Variant type: single nucleotide variant.
Coding change: c.9937C>T on transcript NM_004667.6 (MANE Select); coding-DNA position 9937, C replaced by T.
Protein change: p.Arg3313Cys; replaces arginine 3313 with cysteine.
Molecular consequence: missense variant.
Genome position (GRCh38, 1-based): chr15:28,174,515, G>A on the plus strand (C>T on the coding strand, the complement: HERC2 is on the minus strand). VCF-style: chr15-28174515-G-A. GRCh37 (hg19) VCF-style: chr15-28419661-G-A.
Other names: short protein forms R3313C.
Identifiers: ClinVar variation 3105415 (VCV003105415.2), dbSNP rs552730343, ClinGen allele CA7441012.

ClinVar aggregate classification (germline): Uncertain significance. Review status: criteria provided, multiple submitters, no conflicts (2 of 4 stars). 2 submissions from 2 submitters: Uncertain significance (2). Last evaluated 2026-10-01.

Conditions:
Inborn genetic diseases. Identifiers: MedGen C0950123, MeSH D030342.

Allele frequency attached by ClinVar (database versions not stated): 1000 Genomes Project 30x 0.00047; 1000 Genomes Project 0.00060; gnomAD 0.00006; ExAC 0.00016.

Submissions (2):

CeGaT Center for Human Genetics Tuebingen
Classification: Uncertain significance. Last evaluated: 2026-10-01. Review status: criteria provided, single submitter. Criteria: CeGaT Center For Human Genetics Tuebingen Variant Classification Criteria Version 2. Collection method: clinical testing. Allele origin: germline. Affected: yes. Observed: 1 variant allele.
Comment: HERC2: PM2, PP2, PP3

Ambry Genetics
Classification: Uncertain significance for Inborn genetic diseases. Last evaluated: 2024-02-17. Review status: criteria provided, single submitter. Criteria: Ambry Variant Classification Scheme 2023. Collection method: clinical testing. Allele origin: germline.